The following is an entry in ClinVar:

NM_001042492.3(NF1):c.4355A>G (p.His1452Arg)

Gene: NF1 (neurofibromin 1; plus strand). Cytogenetic location: 17q11.2.
Variant type: single nucleotide variant.
Coding change: c.4355A>G on transcript NM_001042492.3 (MANE Select); coding-DNA position 4355, A replaced by G.
Protein change: p.His1452Arg; replaces histidine 1452 with arginine.
Molecular consequence: missense variant.
Genome position (GRCh38, 1-based): chr17:31,259,054, A>G. VCF-style: chr17-31259054-A-G. GRCh37 (hg19) VCF-style: chr17-29586072-A-G.
Other names: c.4292A>G, p.His1431Arg (NM_000267.4); short protein forms H1431R, H1452R.
Identifiers: ClinVar variation 578360 (VCV000578360.9), dbSNP rs1567862291, ClinGen allele CA398998754.
Genomic context (GRCh38, chr17:31,259,054, plus strand): 5'-AATAATCTGATTATTTATAACCCTGTTTTATTGTGTAGATACTTCAGAGTATTGCCAATC[A>G]TGTTCTCTTCACAAAAGAAGAACATATGCGGCCTTTCAATGATTTTGTGAAAAGCAACTT-3'
Protein context (NP_001035957.1, residues 1442-1462): MSKILQSIAN[His1452Arg]VLFTKEEHMR

ClinVar aggregate classification (germline): Uncertain significance. Review status: criteria provided, multiple submitters, no conflicts (2 of 4 stars). 3 submissions from 3 submitters: Uncertain significance (3). Last evaluated 2025-10-01.

Conditions:
Hereditary cancer-predisposing syndrome. Also called: Neoplastic Syndromes, Hereditary; Hereditary Cancer Syndrome; Hereditary neoplastic syndrome; Tumor predisposition. Identifiers: Orphanet 140162, MedGen C0027672, MeSH D009386, MONDO:0015356.
Cardiovascular phenotype. Identifiers: MedGen CN230736.
Neurofibromatosis, type 1 (NF1). Also called: Peripheral type neurofibromatosis; Neurofibromatosis, type I; VON RECKLINGHAUSEN DISEASE; NEUROFIBROMATOSIS, TYPE I, SOMATIC. Identifiers: Orphanet 636, MedGen C0027831, MONDO:0018975, OMIM 162200. Disease mechanism: loss of function.

Allele frequency attached by ClinVar (database versions not stated): gnomAD exomes below 0.00001.
gnomAD v4.1: 1 of 1,601,984 alleles (0.000062%); highest among the groups gnomAD compares: Non-Finnish European, 0.000085%; no homozygotes.

Submissions (3):

Labcorp Genetics (formerly Invitae), Labcorp
Classification: Uncertain significance for Neurofibromatosis, type 1. Last evaluated: 2025-10-01. Review status: criteria provided, single submitter. Criteria: Invitae Variant Classification Sherloc (09022015). Collection method: clinical testing. Allele origin: germline.
Comment: This sequence change replaces histidine, which is basic and polar, with arginine, which is basic and polar, at codon 1431 of the NF1 protein (p.His1431Arg). This variant is not present in population databases (gnomAD no frequency). This missense change has been observed in individual(s) with clinical features of RASopathy (PMID: 31573083). ClinVar contains an entry for this variant (Variation ID: 578360). Invitae Evidence Modeling of protein sequence and biophysical properties (such as structural, functional, and spatial information, amino acid conservation, physicochemical variation, residue mobility, and thermodynamic stability) indicates that this missense variant is expected to disrupt NF1 protein function with a positive predictive value of 95%. In summary, the available evidence is currently insufficient to determine the role of this variant in disease. Therefore, it has been classified as a Variant of Uncertain Significance.

GeneDx
Classification: Uncertain significance. Last evaluated: 2025-09-18. Review status: criteria provided, single submitter. Criteria: GeneDx Variant Classification Process June 2021. Collection method: clinical testing. Allele origin: germline.
Comment: Observed in an individual with a RASopathy-like phenotype (PMID: 31573083); Not observed at significant frequency in large population cohorts (gnomAD); In silico analysis supports that this missense variant has a deleterious effect on protein structure/function; This variant is associated with the following publications: (PMID: 22807134, 25486365, 31573083)

Ambry Genetics
Classification: Uncertain significance for Cardiovascular phenotype; Hereditary cancer-predisposing syndrome. Last evaluated: 2023-09-08. Review status: criteria provided, single submitter. Criteria: Ambry Variant Classification Scheme 2023. Collection method: clinical testing. Allele origin: germline.
Comment: The p.H1431R variant (also known as c.4292A>G), located in coding exon 32 of the NF1 gene, results from an A to G substitution at nucleotide position 4292. The histidine at codon 1431 is replaced by arginine, an amino acid with highly similar properties. This alteration has been identified in an individual with the clinical suspicion of a RASopathy (Castellanos E et al. Clin Genet, 2020 02;97:264-275). This amino acid position is highly conserved in available vertebrate species. In addition, this alteration is predicted to be deleterious by in silico analysis. Since supporting evidence is limited at this time, the clinical significance of this alteration remains unclear.

Literature cited by the submitters: PubMed 31573083 (cited by Labcorp Genetics (formerly Invitae), Labcorp).